The following is an entry in ClinVar:

NM_006005.3(WFS1):c.2119G>A (p.Val707Ile)

Gene: WFS1 (wolframin ER transmembrane glycoprotein; plus strand). Cytogenetic location: 4p16.1.
Variant type: single nucleotide variant.
Coding change: c.2119G>A on transcript NM_006005.3 (MANE Select); coding-DNA position 2119, G replaced by A.
Protein change: p.Val707Ile; replaces valine 707 with isoleucine.
Molecular consequence: missense variant.
Genome position (GRCh38, 1-based): chr4:6,301,914, G>A. VCF-style: chr4-6301914-G-A. GRCh37 (hg19) VCF-style: chr4-6303641-G-A.
Other names: c.2119G>A, p.Val707Ile (NM_001145853.1); short protein forms V707I.
Identifiers: ClinVar variation 215367 (VCV000215367.17), dbSNP rs71524377, ClinGen allele CA325333.
Genomic context (GRCh38, chr4:6,301,914, plus strand): 5'-CAGATCCTCTGCAGCCACCTGGAGGGCCACAGGGTCACGTGGACCGGCCGCTTCAAGTAC[G>A]TCCGCGTGACTGACATCGACAACAGCGCCGAGTCTGCCATCAACATGCTCCCGTTCTTCA-3'
Protein context (NP_005996.2, residues 697-717): RVTWTGRFKY[Val707Ile]RVTDIDNSAE

ClinVar aggregate classification (germline): Uncertain significance/Uncertain risk allele. Review status: criteria provided, multiple submitters, no conflicts (2 of 4 stars). 9 submissions from 8 submitters: Uncertain significance (8); Uncertain risk allele (1). Last evaluated 2026-01-30.

Conditions:
WFS1-Related Spectrum Disorders.
WFS1-related disorder. Identifiers: MedGen CN379391, MONDO:0700293.
Autosomal dominant nonsyndromic hearing loss 6 (LFSNHL). Also called: Autosomal dominant nonsyndromic deafness 6; DEAFNESS, AUTOSOMAL DOMINANT 6; DEAFNESS, AUTOSOMAL DOMINANT 14; DEAFNESS, AUTOSOMAL DOMINANT 38. Identifiers: Orphanet 90635, MedGen C1833021, MONDO:0010963, OMIM 600965.
Type 2 diabetes mellitus. Also called: Type II diabetes mellitus. Identifiers: MedGen C0011860, MeSH D003924, MONDO:0005148, OMIM 125853, HP:0005978.
Wolfram-like syndrome. Also called: HEARING LOSS, PROGRESSIVE, WITH OPTIC ATROPHY AND/OR IMPAIRED GLUCOSE REGULATION. Identifiers: Orphanet 411590, MedGen C3280358, MONDO:0013673, OMIM 614296.
Cataract 41 (CTRCT41). Also called: CATARACT 41, CONGENITAL NUCLEAR TYPE. Identifiers: Orphanet 91492, Orphanet 98991, Orphanet 98992, Orphanet 98995, MedGen C3805412, MONDO:0007287, OMIM 116400.
Wolfram syndrome 1 (WFS1). Identifiers: Orphanet 3463, MedGen C4551693, MONDO:0009101, OMIM 222300.

Allele frequency attached by ClinVar (database versions not stated): ExAC 0.00004; TOPMed 0.00013; ESP Exome Variant Server 0.00015; gnomAD exomes 0.00004; gnomAD 0.00007 and 0.00008.
gnomAD v4.1: 60 of 1,612,892 alleles (0.0037%); highest among the groups gnomAD compares: African/African-American, 0.021%; no homozygotes.

Submissions (9):

PreventionGenetics, part of Exact Sciences
Classification: Uncertain significance for WFS1-related condition. Last evaluated: 2026-01-30. Review status: criteria provided, single submitter. Criteria: ACMG Guidelines, 2015. Collection method: clinical testing. Allele origin: germline.
Comment: The WFS1 c.2119G>A variant is predicted to result in the amino acid substitution p.Val707Ile. This variant has been reported in cis with a frameshift WFS1 variant in the homozygous state in multiple individuals with Wolfram syndrome (WFS) or non-syndromic diabetes mellitus (Zalloua et al. 2008. PubMed ID: 18806274) and has been described as one of the more common variants noted in approximately 6% of individuals with autosomal recessive WFS (Table S2 and S3, de Heredia et al. 2013. PubMed ID: 23429432). Structural analysis noted that this variant is located in the endoplasmic reticulum which is a hotspot for variants causing autosomal dominant non-syndromic hearing loss (Li et al. 2021. PubMed ID: 34258273). An alternate variant at the same amino acid position (p.Val707Phe) has been reported in individuals affected with autosomal dominant, non-syndromic hearing loss (Table S1, Walls. 2020. PubMed ID: 32382995; Supplementary Table 2, Usami. 2022. PubMed ID: 34599366). The c.2119G>A variant is reported in 0.016% of alleles in individuals of African descent in gnomAD. At this time, the clinical significance of this variant is uncertain due to the absence of conclusive functional and genetic evidence.

Labcorp Genetics (formerly Invitae), Labcorp
Classification: Uncertain significance. Last evaluated: 2026-01-03. Review status: criteria provided, single submitter. Criteria: Invitae Variant Classification Sherloc (09022015). Collection method: clinical testing. Allele origin: germline.
Comment: This sequence change replaces valine, which is neutral and non-polar, with isoleucine, which is neutral and non-polar, at codon 707 of the WFS1 protein (p.Val707Ile). This variant is present in population databases (rs71524377, gnomAD 0.02%). This variant has not been reported in the literature in individuals affected with WFS1-related conditions. ClinVar contains an entry for this variant (Variation ID: 215367). Invitae Evidence Modeling of protein sequence and biophysical properties (such as structural, functional, and spatial information, amino acid conservation, physicochemical variation, residue mobility, and thermodynamic stability) indicates that this missense variant is not expected to disrupt WFS1 protein function with a negative predictive value of 95%. In summary, the available evidence is currently insufficient to determine the role of this variant in disease. Therefore, it has been classified as a Variant of Uncertain Significance.

GeneDx
Classification: Uncertain significance. Last evaluated: 2025-02-05. Review status: criteria provided, single submitter. Criteria: GeneDx Variant Classification Process June 2021. Collection method: clinical testing. Allele origin: germline. Affected: yes.
Comment: In silico analysis indicates that this missense variant does not alter protein structure/function; This variant is associated with the following publications: (PMID: 31850070, 20738327, 23429432, 30245029, 18806274, 17603484, 12955714, 20301750, 18060660, 33879153)

Blueprint Genetics
Classification: Uncertain significance. Last evaluated: 2024-11-21. Review status: criteria provided, single submitter. Criteria: ACMG Guidelines, 2015. Collection method: clinical testing. Allele origin: germline.

Fulgent Genetics
Classification: Uncertain significance for Cataract 41; Type 2 diabetes mellitus; Wolfram syndrome 1; Autosomal dominant nonsyndromic hearing loss 6; Wolfram-like syndrome. Last evaluated: 2024-03-07. Review status: criteria provided, single submitter. Criteria: ACMG Guidelines, 2015. Collection method: clinical testing. Allele origin: germline.

ARUP Laboratories, Molecular Genetics and Genomics, ARUP Laboratories
Classification: Uncertain significance. Last evaluated: 2023-01-06. Review status: criteria provided, single submitter. Criteria: ARUP Molecular Germline Variant Investigation Process 2024. Collection method: clinical testing. Allele origin: germline.
Comment: The WFS1 c.2119G>A; p.Val707Ile variant (rs71524377) is reported in cis to a frameshift WFS1 variant in several individuals with Wolfram syndrome or non-syndromic diabetes (Zalloua 2008). This variant is also reported in ClinVar (Variation ID: 215367). It is observed in the general population with an overall allele frequency of 0.004% (11/281244 alleles) in the Genome Aggregation Database. Computational analyses are uncertain whether this variant is neutral or deleterious (REVEL: 0.579). Due to limited information the clinical significance of this variant is uncertain at this time. References: Zalloua PA et al. WFS1 mutations are frequent monogenic causes of juvenile-onset diabetes mellitus in Lebanon. Hum Mol Genet. 2008 Dec 15;17(24):4012-21. PMID: 18806274.

Illumina Laboratory Services, Illumina
Classification: Uncertain significance for Autosomal dominant nonsyndromic hearing loss 6. Last evaluated: 2017-04-28. Review status: criteria provided, single submitter. Criteria: ICSL Variant Classification Criteria 13 December 2019. Collection method: clinical testing. Allele origin: germline.

Illumina Laboratory Services, Illumina
Classification: Uncertain significance for WFS1-Related Spectrum Disorders. Last evaluated: 2017-04-28. Review status: criteria provided, single submitter. Criteria: ICSL Variant Classification Criteria 13 December 2019. Collection method: clinical testing. Allele origin: germline.
Comment: This variant was observed as part of a predisposition screen in an ostensibly healthy population. A literature search was performed for the gene, cDNA change, and amino acid change (where applicable). Publications were found based on this search. However, the evidence from the literature, in combination with allele frequency data from public databases where available, was not sufficient to rule this variant in or out of causing disease. Therefore, this variant is classified as a variant of unknown significance.

Clinical Genomics, Uppaluri K&H Personalized Medicine Clinic
Classification: Uncertain risk allele for Wolfram syndrome 1. Review status: criteria provided, single submitter. Criteria: K & H Uppaluri Personalized Medicine Clinic Variant Classification & Assertion Criteria_Updated V.1. Collection method: research. Allele origin: unknown. Inheritance: Autosomal recessive inheritance.
Comment: Potent mutations in WFS1 gene are associated with Wolfram's syndrome, an autosomal recessive condition, which cause diabetes mellitus, diabetes insipidus, deafness and optic atrophy. However no sufficient evidence is found to ascertain the role of this particular variant rs71524377 in Wolfram's syndrome yet.

Literature cited by the submitters: PubMed 23429432 (cited by Illumina Laboratory Services, Illumina); PubMed 18806274 (cited by Illumina Laboratory Services, Illumina); PubMed 20738327 (cited by Clinical Genomics, Uppaluri K&H Personalized Medicine Clinic); PubMed 33879153 (cited by Clinical Genomics, Uppaluri K&H Personalized Medicine Clinic); PubMed 12955714 (cited by Clinical Genomics, Uppaluri K&H Personalized Medicine Clinic); PubMed 18060660 (cited by Clinical Genomics, Uppaluri K&H Personalized Medicine Clinic); PubMed 20301750 (cited by Clinical Genomics, Uppaluri K&H Personalized Medicine Clinic); PubMed 17603484 (cited by Clinical Genomics, Uppaluri K&H Personalized Medicine Clinic).